The following is an entry in ClinVar:

NM_001122659.3(EDNRB):c.1304C>A (p.Ser435Tyr)

Genes: EDNRB (endothelin receptor type B; minus strand), EDNRB-AS1 (EDNRB antisense RNA 1; plus strand). Cytogenetic location: 13q22.3.
Variant type: single nucleotide variant.
Coding change: c.1304C>A on transcript NM_001122659.3 (MANE Select); coding-DNA position 1304, C replaced by A.
Protein change: p.Ser435Tyr; replaces serine 435 with tyrosine.
Molecular consequence: missense variant. On other transcripts: intron variant (1).
Genome position (GRCh38, 1-based): chr13:77,898,225, G>T on the plus strand (C>A on the coding strand, the complement: EDNRB is on the minus strand). VCF-style: chr13-77898225-G-T. GRCh37 (hg19) VCF-style: chr13-78472360-G-T.
Other names: c.1304C>A, p.Ser435Tyr (NM_000115.5); c.1574C>A, p.Ser525Tyr (NM_001201397.2); c.1194+1634C>A (NM_003991.4); c.1304C>A (NM_000115.4); short protein forms S525Y, S435Y.
Identifiers: ClinVar variation 1484630 (VCV001484630.7), dbSNP rs757021438, ClinGen allele CA7012139.

ClinVar aggregate classification (germline): Uncertain significance. Review status: criteria provided, multiple submitters, no conflicts (2 of 4 stars). 2 submissions from 2 submitters: Uncertain significance (2). Last evaluated 2026-07-01.

Conditions:
EDNRB-related disorder. Also called: EDNRB-related condition; EDNRB-related disorders.

Allele frequency attached by ClinVar (database versions not stated): ExAC 0.00001; gnomAD exomes 0.00001.
gnomAD v4.1: 3 of 1,611,744 alleles (0.00019%); highest among the groups gnomAD compares: East Asian, 0.0045%; no homozygotes.

Submissions (2):

PreventionGenetics, part of Exact Sciences
Classification: Uncertain significance for EDNRB-related condition. Last evaluated: 2026-07-01. Review status: criteria provided, single submitter. Criteria: ACMG Guidelines, 2015. Collection method: clinical testing. Allele origin: germline.
Comment: The EDNRB c.1304C>A variant is predicted to result in the amino acid substitution p.Ser435Tyr. To our knowledge, this variant has not been reported in the literature. This variant is reported in 0.015% of alleles in individuals of East Asian descent in gnomAD. At this time, the clinical significance of this variant is uncertain due to the absence of conclusive functional and genetic evidence.

Labcorp Genetics (formerly Invitae), Labcorp
Classification: Uncertain significance. Last evaluated: 2023-02-28. Review status: criteria provided, single submitter. Criteria: Invitae Variant Classification Sherloc (09022015). Collection method: clinical testing. Allele origin: germline.
Comment: ClinVar contains an entry for this variant (Variation ID: 1484630). In summary, the available evidence is currently insufficient to determine the role of this variant in disease. Therefore, it has been classified as a Variant of Uncertain Significance. An algorithm developed to predict the effect of missense changes on protein structure and function (PolyPhen-2) suggests that this variant is likely to be tolerated. This variant has not been reported in the literature in individuals affected with EDNRB-related conditions. This variant is present in population databases (rs757021438, gnomAD 0.02%). This sequence change replaces serine, which is neutral and polar, with tyrosine, which is neutral and polar, at codon 435 of the EDNRB protein (p.Ser435Tyr).